The following is an entry in ClinVar:

NM_000053.4(ATP7B):c.1391G>C (p.Gly464Ala)

Gene: ATP7B (ATPase copper transporting beta; minus strand). Cytogenetic location: 13q14.3.
Variant type: single nucleotide variant.
Coding change: c.1391G>C on transcript NM_000053.4 (MANE Select); coding-DNA position 1391, G replaced by C.
Protein change: p.Gly464Ala; replaces glycine 464 with alanine.
Molecular consequence: missense variant. On other transcripts: intron variant (1).
Genome position (GRCh38, 1-based): chr13:51,970,644, C>G on the plus strand (G>C on the coding strand, the complement: ATP7B is on the minus strand). VCF-style: chr13-51970644-C-G. GRCh37 (hg19) VCF-style: chr13-52544780-C-G.
Other names: c.1391G>C, p.Gly464Ala (NM_001005918.3, NM_001330578.2, NM_001330579.2 and 28 more transcripts); c.1058G>C, p.Gly353Ala (NM_001243182.2); c.1295G>C, p.Gly432Ala (NM_001406530.1, NM_001406543.1, NM_001406544.1 and 3 more transcripts); c.1285+3291G>C (NM_001406548.1); c.962G>C, p.Gly321Ala (NM_001406539.1); short protein forms G321A, G353A, G432A, G464A.
Identifiers: ClinVar variation 3385655 (VCV003385655.1).

ClinVar aggregate classification (germline): Uncertain significance (1 of 4 stars; one submission).

Conditions:
Wilson disease (WND). Also called: Wilson's disease. Identifiers: Orphanet 905, MedGen C0019202, MONDO:0010200, OMIM 277900. Disease mechanism: loss of function.

Submission:

All of Us Research Program, National Institutes of Health
Classification: Uncertain significance for Wilson disease. Last evaluated: 2024-03-14. Review status: criteria provided, single submitter. Criteria: ACMG Guidelines, 2015. Collection method: clinical testing. Allele origin: germline. Inheritance: Autosomal recessive inheritance. Observed: 1 variant allele, 1 heterozygote.
Comment: This missense variant replaces glycine with alanine at codon 464 of the ATP7B protein. Computational prediction suggests that this variant may not impact protein structure and function (internally defined REVEL score threshold <= 0.5, PMID: 27666373). To our knowledge, functional studies have not been reported for this variant. This variant has not been reported in individuals affected with ATP7B-related disorders in the literature. This variant has not been identified in the general population by the Genome Aggregation Database (gnomAD). The available evidence is insufficient to determine the role of this variant in disease conclusively. Therefore, this variant is classified as a Variant of Uncertain Significance.

This study involves interpretation of variants in research participants for the purpose of population health screening. Participant phenotype was not available at the time of variant classification. Additional details can be found in publication PMID: 35346344, PMCID: PMC8962531